The following is an entry in ClinVar:

ClinVar aggregate classification (germline): Uncertain significance (1 of 4 stars; one submission).

Submission:

GeneDx
Classification: Uncertain significance. Last evaluated: 2024-04-02. Review status: criteria provided, single submitter. Criteria: GeneDx Variant Classification Process June 2021. Collection method: clinical testing. Allele origin: germline. Affected: yes.
Comment: Not observed at significant frequency in large population cohorts (gnomAD); In silico analysis supports that this missense variant does not alter protein structure/function; Has not been previously published as pathogenic or benign to our knowledge; This variant is associated with the following publications: (PMID: 25512093, 25609763, 26100331)

NM_001376.5(DYNC1H1):c.2890A>T (p.Ile964Leu)

Genes: DYNC1H1 (dynein cytoplasmic 1 heavy chain 1; plus strand), LOC130056502 (ATAC-STARR-seq lymphoblastoid active region 9063; plus strand). Cytogenetic location: 14q32.31.
Variant type: single nucleotide variant.
Coding change: c.2890A>T on transcript NM_001376.5 (MANE Select); coding-DNA position 2890, A replaced by T.
Protein change: p.Ile964Leu; replaces isoleucine 964 with leucine.
Molecular consequence: missense variant.
Genome position (GRCh38, 1-based): chr14:101,991,548, A>T. VCF-style: chr14-101991548-A-T. GRCh37 (hg19) VCF-style: chr14-102457885-A-T.
Other names: short protein forms I964L.
Identifiers: ClinVar variation 3371303 (VCV003371303.1).